The following is an entry in ClinVar:

ClinVar aggregate classification (germline): Uncertain significance. Review status: criteria provided, multiple submitters, no conflicts (2 of 4 stars). 2 submissions from 2 submitters: Uncertain significance (2). Last evaluated 2024-03-07.

Conditions:
Epilepsy, progressive myoclonic, 1B. Also called: PME. Identifiers: Orphanet 308, MedGen C2676254, MONDO:0012904, OMIM 612437.

Allele frequency attached by ClinVar (database versions not stated): gnomAD 0.00001; TOPMed 0.00001.
gnomAD v4.1: 1 of 1,614,010 alleles (0.000062%); highest among the groups gnomAD compares: Non-Finnish European, 0.000085%; no homozygotes.

Submissions (2):

Ambry Genetics
Classification: Uncertain significance. Last evaluated: 2024-03-07. Review status: criteria provided, single submitter. Criteria: Ambry Variant Classification Scheme 2023. Collection method: clinical testing. Allele origin: germline.

Labcorp Genetics (formerly Invitae), Labcorp
Classification: Uncertain significance for Epilepsy, progressive myoclonic, 1B. Last evaluated: 2022-06-18. Review status: criteria provided, single submitter. Criteria: Invitae Variant Classification Sherloc (09022015). Collection method: clinical testing. Allele origin: germline.
Comment: This sequence change replaces glycine, which is neutral and non-polar, with glutamic acid, which is acidic and polar, at codon 255 of the PRICKLE1 protein (p.Gly255Glu). This variant is not present in population databases (gnomAD no frequency). This variant has not been reported in the literature in individuals affected with PRICKLE1-related conditions. Algorithms developed to predict the effect of missense changes on protein structure and function (SIFT, PolyPhen-2, Align-GVGD) all suggest that this variant is likely to be disruptive. In summary, the available evidence is currently insufficient to determine the role of this variant in disease. Therefore, it has been classified as a Variant of Uncertain Significance.

NM_153026.3(PRICKLE1):c.764G>A (p.Gly255Glu)

Gene: PRICKLE1 (prickle planar cell polarity protein 1; minus strand). Cytogenetic location: 12q12.
Variant type: single nucleotide variant.
Coding change: c.764G>A on transcript NM_153026.3 (MANE Select); coding-DNA position 764, G replaced by A.
Protein change: p.Gly255Glu; replaces glycine 255 with glutamic acid.
Molecular consequence: missense variant.
Genome position (GRCh38, 1-based): chr12:42,466,205, C>T on the plus strand (G>A on the coding strand, the complement: PRICKLE1 is on the minus strand). VCF-style: chr12-42466205-C-T. GRCh37 (hg19) VCF-style: chr12-42860007-C-T.
Other names: c.764G>A, p.Gly255Glu (NM_001144881.2, NM_001144882.2, NM_001144883.2); c.764G>A (NM_153026.2); short protein forms G255E.
Identifiers: ClinVar variation 1913135 (VCV001913135.3), dbSNP rs1051639607, ClinGen allele CA235492122.